The following is an entry in ClinVar:

ClinVar aggregate classification (germline): Likely benign. Review status: criteria provided, single submitter (1 of 4 stars). 2 submissions from 2 submitters: Likely benign (1). 1 of the submissions does not count toward it. Last evaluated 2025-11-19.

Conditions:
MPI-congenital disorder of glycosylation. Also called: PROTEIN-LOSING ENTEROPATHY-HEPATIC FIBROSIS SYNDROME; CONGENITAL DISORDER OF GLYCOSYLATION, TYPE Ib; CDG Ib; MPI-CDG; MANNOSEPHOSPHATE ISOMERASE DEFICIENCY; MPI DEFICIENCY. Identifiers: Orphanet 79319, MedGen C1865145, MONDO:0011257, OMIM 602579.

Allele frequency attached by ClinVar (database versions not stated): ExAC 0.00002; gnomAD 0.00003; gnomAD exomes 0.00003 and 0.00008; TOPMed 0.00003; ESP Exome Variant Server 0.00008.

Submissions (2):

Labcorp Genetics (formerly Invitae), Labcorp
Classification: Likely benign for MPI-congenital disorder of glycosylation. Last evaluated: 2025-11-19. Review status: criteria provided, single submitter. Criteria: Invitae Variant Classification Sherloc (09022015). Collection method: clinical testing. Allele origin: germline.

Department of Pathology and Laboratory Medicine, Sinai Health System
Classification: Uncertain significance. Review status: no assertion criteria provided. Collection method: clinical testing. Allele origin: unknown. Affected: yes. Study: The Canadian Open Genetics Repository (COGR). Not counted in ClinVar's aggregate classification.
Comment: The MPI c.144+12G>T variant was not identified in the literature nor was it identified in ClinVar. The variant was identified in dbSNP (ID: rs369867765) and in control databases in 7 of 250294 chromosomes at a frequency of 0.00002797 (Genome Aggregation Database March 6, 2019, v2.1.1). The variant was observed in the following populations: European (non-Finnish) in 6 of 113644 chromosomes (freq: 0.000053) and European (Finnish) in 1 of 20636 chromosomes (freq: 0.000048), but was not observed in the African, Latino, Ashkenazi Jewish, East Asian, Other, or South Asian populations. The variant occurs outside of the splicing consensus sequence and two of four in silico or computational prediction software programs (SpliceSiteFinder, MaxEntScan, NNSPLICE, GeneSplicer) predict a greater than 10% difference in splicing; this is not very predictive of pathogenicity. In summary, based on the above information the clinical significance of this variant cannot be determined with certainty at this time. This variant is classified as a variant of uncertain significance.

NM_002435.3(MPI):c.144+12G>T

Gene: MPI (mannose phosphate isomerase; plus strand). Cytogenetic location: 15q24.1.
Variant type: single nucleotide variant.
Coding change: c.144+12G>T on transcript NM_002435.3 (MANE Select); 12 bases into the intron after coding-DNA position 144, G replaced by T.
Molecular consequence: intron variant.
Genome position (GRCh38, 1-based): chr15:74,890,666, G>T. VCF-style: chr15-74890666-G-T. GRCh37 (hg19) VCF-style: chr15-75183007-G-T.
Other names: c.84+12G>T (NM_001330372.2); c.144+12G>T (NM_001289155.2, NM_001289157.2); c.-7+577G>T (NM_001289156.2).
Identifiers: ClinVar variation 1050260 (VCV001050260.7), dbSNP rs369867765, ClinGen allele CA7662348.